The following is an entry in ClinVar:

ClinVar aggregate classification (germline): Uncertain significance (1 of 4 stars; one submission).

gnomAD v4.1: 23 of 1,613,964 alleles (0.0014%); highest among the groups gnomAD compares: East Asian, 0.011%; no homozygotes.

Submission:

Labcorp Genetics (formerly Invitae), Labcorp
Classification: Uncertain significance. Last evaluated: 2025-08-12. Review status: criteria provided, single submitter. Criteria: Invitae Variant Classification Sherloc (09022015). Collection method: clinical testing. Allele origin: germline.
Comment: This sequence change replaces arginine, which is basic and polar, with cysteine, which is neutral and slightly polar, at codon 84 of the PSENEN protein (p.Arg84Cys). This variant is present in population databases (rs746209639, gnomAD 0.02%). This variant has not been reported in the literature in individuals affected with PSENEN-related conditions. An algorithm developed to predict the effect of missense changes on protein structure and function (PolyPhen-2) suggests that this variant is likely to be tolerated. In summary, the available evidence is currently insufficient to determine the role of this variant in disease. Therefore, it has been classified as a Variant of Uncertain Significance.

NM_172341.4(PSENEN):c.250C>T (p.Arg84Cys)

Gene: PSENEN (presenilin enhancer, gamma-secretase subunit; plus strand). Cytogenetic location: 19q13.12.
Variant type: single nucleotide variant.
Coding change: c.250C>T on transcript NM_172341.4 (MANE Select); coding-DNA position 250, C replaced by T.
Protein change: p.Arg84Cys; replaces arginine 84 with cysteine.
Molecular consequence: missense variant.
Genome position (GRCh38, 1-based): chr19:35,746,791, C>T. VCF-style: chr19-35746791-C-T. GRCh37 (hg19) VCF-style: chr19-36237692-C-T.
Other names: c.250C>T, p.Arg84Cys (NM_001281532.3); short protein forms R84C.
Identifiers: ClinVar variation 4780096 (VCV004780096.1).